The following is an entry in ClinVar:

NM_001005242.3(PKP2):c.373A>G (p.Arg125Gly)

Gene: PKP2 (plakophilin 2; minus strand). Cytogenetic location: 12p11.21.
Variant type: single nucleotide variant.
Coding change: c.373A>G on transcript NM_001005242.3 (MANE Select); coding-DNA position 373, A replaced by G.
Protein change: p.Arg125Gly; replaces arginine 125 with glycine.
Molecular consequence: missense variant.
Genome position (GRCh38, 1-based): chr12:32,878,507, T>C on the plus strand (A>G on the coding strand, the complement: PKP2 is on the minus strand). VCF-style: chr12-32878507-T-C. GRCh37 (hg19) VCF-style: chr12-33031441-T-C.
Other names: c.373A>G, p.Arg125Gly (NM_004572.4); short protein forms R125G.
Identifiers: ClinVar variation 629304 (VCV000629304.4), dbSNP rs1565599588, ClinGen allele CA384365447.

ClinVar aggregate classification (germline): Uncertain significance (1 of 4 stars; one submission).

Conditions:
Cardiomyopathy (CMYO). Also called: Cardiomyopathies. Identifiers: Orphanet 167848, MedGen C0878544, MONDO:0004994, HP:0001638. Inheritance: Various modes of inheritance.

Allele frequency attached by ClinVar (database versions not stated): gnomAD exomes below 0.00001.
gnomAD v4.1: 2 of 1,612,676 alleles (0.00012%); highest among the groups gnomAD compares: Non-Finnish European, 0.00017%; no homozygotes.

Submission:

Color Diagnostics, LLC DBA Color Health
Classification: Uncertain significance for Cardiomyopathy. Last evaluated: 2023-12-05. Review status: criteria provided, single submitter. Criteria: ACMG Guidelines, 2015. Collection method: clinical testing. Allele origin: germline.
Comment: Variant of Uncertain Significance due to insufficient evidence: This missense variant is located in the head domain of the PKP2 protein. Computational prediction tools and conservation analyses suggest that this variant may not impact the protein function. Computational splicing tools suggest that this variant may not impact the RNA splicing. To our knowledge, functional assays have not been performed for this variant nor has this variant been reported in individuals affected with cardiovascular disorders in the literature. This variant is rare in the general population and has been identified in 0/277264 chromosomes by the Genome Aggregation Database (gnomAD). Available evidence is insufficient to determine the pathogenicity of this variant conclusively.